The following is an entry in ClinVar:

ClinVar aggregate classification (germline): Pathogenic. Review status: reviewed by expert panel (3 of 4 stars). 2 submissions from 2 submitters: Pathogenic (1). 1 of the submissions does not count toward it. Last evaluated 2017-12-15.

Conditions:
Breast-ovarian cancer, familial, susceptibility to, 1 (BROVCA1). Also called: BRCA1 Hereditary Breast and Ovarian Cancer; OVARIAN CANCER, SUSCEPTIBILITY TO. Identifiers: Orphanet 145, MedGen C2676676, MONDO:0011450, OMIM 604370. Disease mechanism: loss of function.
Familial cancer of breast. Also called: hereditary breast carcinoma; BREAST CANCER, FAMILIAL; Hereditary breast cancer. Identifiers: Orphanet 227535, MedGen C0346153, MONDO:0016419, OMIM 114480. Disease mechanism: loss of function.

Submissions (2):

Evidence-based Network for the Interpretation of Germline Mutant Alleles (ENIGMA)
Classification: Pathogenic for Breast-ovarian cancer, familial, susceptibility to, 1. Last evaluated: 2017-12-15. Review status: reviewed by expert panel. Criteria: ENIGMA BRCA1/2 Classification Criteria (2017-06-29). Collection method: curation. Allele origin: germline. Study: ENIGMA.
Comment: Variant allele predicted to encode a truncated non-functional protein.

ClinVar Staff, National Center for Biotechnology Information (NCBI)
No classification provided. Condition: Familial cancer of breast. Review status: no classification provided. Collection method: literature only. Allele origin: germline. Affected: yes. Not counted in ClinVar's aggregate classification.

Literature cited by the submitters: PubMed 11733976 (cited by ClinVar Staff, National Center for Biotechnology Information (NCBI)).

NM_007294.4(BRCA1):c.5179_5192del (p.Lys1727fs)

Gene: BRCA1 (BRCA1 DNA repair associated; minus strand). Cytogenetic location: 17q21.31.
Variant type: Deletion.
Coding change: c.5179_5192del on transcript NM_007294.4 (MANE Select); coding-DNA positions 5179 to 5192, 14 bases deleted (AAAATGCTGAATGA).
Protein change: p.Lys1727fs; shifts the reading frame from lysine 1727.
Molecular consequence: frameshift variant. On other transcripts: non-coding transcript variant (1).
Genome position (GRCh38, 1-based): chr17:43,063,334-43,063,347, TCATTCAGCATTTT deleted on the plus strand (AAAATGCTGAATGA on the coding strand, the reverse complement: BRCA1 is on the minus strand); deleting any 14 consecutive bases within chr17:43,063,334-43,063,349 gives the same sequence; the c. name uses the placement nearest the transcript's 3' end. VCF-style (leftmost placement, unchanged base first): chr17-43063333-CTCATTCAGCATTTT-C. GRCh37 (hg19) VCF-style: chr17-41215350-CTCATTCAGCATTTT-C.
Other names: c.5179_5192delAAAATGCTGAATGA (NM_007294.3); c.5174_5187delGAAAAATGCTGAAT, p.Lys1726Alafs (NM_001407617.1, NM_001407618.1, NM_001407619.1 and 17 more transcripts); c.5171_5184delGAAAAATGCTGAAT, p.Lys1725Alafs (NM_001407627.1, NM_001407628.1, NM_001407629.1 and 14 more transcripts); c.5168_5181delGAAAAATGCTGAAT, p.Lys1724Alafs (NM_001407644.1, NM_001407645.1); c.5165_5178delGAAAAATGCTGAAT, p.Lys1723Alafs (NM_001407646.1); c.5162_5175delGAAAAATGCTGAAT, p.Lys1722Alafs (NM_001407647.1); c.5120_5133delGAAAAATGCTGAAT, p.Lys1708Alafs (NM_001407648.1); c.5117_5130delGAAAAATGCTGAAT, p.Lys1707Alafs (NM_001407649.1); and 76 more; short protein forms K1680fs, K1748fs, K623fs, K1727fs.
Identifiers: ClinVar variation 55445 (VCV000055445.3), dbSNP rs397509234, ClinGen allele CA003326.
Genomic context (GRCh38, chr17:43,063,333, plus strand): 5'-CATTTTTAACTATATGACTGAATGAATATCTCTGGTTAGTTTGTAACATCAAGTACTTAC[CTCATTCAGCATTTT>C]TCTTTCTTTAATAGACTGGGTCACCCCTAAAGAGATCATAGAAAAGACAGGTTACATACA-3'